The following is an entry in ClinVar:

NM_000169.3(GLA):c.548G>A (p.Gly183Asp)

Genes: GLA (galactosidase alpha; minus strand), RPL36A-HNRNPH2 (RPL36A-HNRNPH2 readthrough; plus strand). Cytogenetic location: Xq22.1.
Variant type: single nucleotide variant.
Coding change: c.548G>A on transcript NM_000169.3 (MANE Select); coding-DNA position 548, G replaced by A.
Protein change: p.Gly183Asp; replaces glycine 183 with aspartic acid.
Molecular consequence: missense variant. On other transcripts: non-coding transcript variant (2), intron variant (2).
Genome position (GRCh38, 1-based): chrX:101,400,757, C>T on the plus strand (G>A on the coding strand, the complement: GLA is on the minus strand). VCF-style: chrX-101400757-C-T. GRCh37 (hg19) VCF-style: chrX-100655745-C-T.
Other names: c.671G>A, p.Gly224Asp (NM_001406747.1); c.548G>A, p.Gly183Asp (NM_001406748.1); c.300+5300C>T (NM_001199973.2); c.177+8935C>T (NM_001199974.2); short protein forms G183D, G224D.
Identifiers: ClinVar variation 562419 (VCV000562419.8), dbSNP rs398123212, ClinGen allele CA413928004.

ClinVar aggregate classification (germline): Pathogenic/Likely pathogenic. Review status: criteria provided, multiple submitters, no conflicts (2 of 4 stars). 4 submissions from 4 submitters: Pathogenic (1); Likely pathogenic (2). 1 of the submissions does not count toward it. Last evaluated 2026-09-08.

Conditions:
Fabry disease. Also called: Fabry's disease; CERAMIDE TRIHEXOSIDASE DEFICIENCY; GLA DEFICIENCY; HEREDITARY DYSTOPIC LIPIDOSIS; Angiokeratoma corporis diffusum; ALPHA-GALACTOSIDASE A DEFICIENCY. Identifiers: Orphanet 324, MedGen C0002986, MONDO:0010526, OMIM 301500, HP:0001071. Disease mechanism: Fabry disease is due to inactivating mutations in the X-linked GLA gene resulting in deficiency of the enzyme Alpha Galactosidase-A., loss of function.

Submissions (4):

Genomenon, Inc
Classification: Pathogenic for Fabry disease. Last evaluated: 2026-09-08. Review status: criteria provided, single submitter. Criteria: Genomenon Sequence Variant Interpretation Standards - Updated. Collection method: curation. Allele origin: germline. Affected: yes.
Comment: GLA p.Gly183Asp (c.548G>A) is a missense variant that changes the amino acid at codon 183 from Glycine to Aspartic acid. This variant has been observed in at least one proband with clinical features consistent with Fabry disease (PMID:25974833;38911695;27657681;30723321;27560961;30386727;18046674;15091117;12428061;39595144;17206462;10666480). The variant was found to segregate with disease in at least one affected family (PMID:38911695;17206462). At least one functional study has demonstrated a substantial alteration in protein function relative to the wild-type (PMID:21598360;30723321;27657681). It is absent or not present at a significant frequency in gnomAD. In silico models predict that this variant is possibly or probably damaging. In conclusion, we classify GLA p.Gly183Asp (c.548G>A) as a pathogenic variant.

Fulgent Genetics
Classification: Likely pathogenic for Fabry disease. Last evaluated: 2022-03-10. Review status: criteria provided, single submitter. Criteria: ACMG Guidelines, 2015. Collection method: clinical testing. Allele origin: unknown.

Revvity Omics, Revvity
Classification: Likely pathogenic. Last evaluated: 2020-09-24. Review status: criteria provided, single submitter. Criteria: ACMG Guidelines, 2015. Collection method: clinical testing. Allele origin: germline.

Gharavi Laboratory, Columbia University
Classification: Pathogenic. Last evaluated: 2018-09-16. Review status: no assertion criteria provided. Criteria: ACMG Guidelines, 2015. Collection method: research. Allele origin: germline. Affected: yes. Not counted in ClinVar's aggregate classification.

Literature cited by the submitters: PubMed 25974833 (cited by Genomenon, Inc); PubMed 38911695 (cited by Genomenon, Inc); PubMed 27657681 (cited by Genomenon, Inc); PubMed 30723321 (cited by Genomenon, Inc); PubMed 27560961 (cited by Genomenon, Inc); PubMed 30386727 (cited by Genomenon, Inc); PubMed 18046674 (cited by Genomenon, Inc); PubMed 15091117 (cited by Genomenon, Inc); PubMed 12428061 (cited by Genomenon, Inc); PubMed 39595144 (cited by Genomenon, Inc); PubMed 17206462 (cited by Genomenon, Inc); PubMed 10666480 (cited by Genomenon, Inc); PubMed 21598360 (cited by Genomenon, Inc).